The following is an entry in ClinVar:

NM_022168.4(IFIH1):c.1873_1881dup (p.Glu627_Thr628insHisLeuGlu)

Gene: IFIH1 (interferon induced with helicase C domain 1; minus strand). Cytogenetic location: 2q24.2.
Variant type: Duplication.
Coding change: c.1873_1881dup on transcript NM_022168.4 (MANE Select); coding-DNA positions 1873 to 1881, 9 bases duplicated (CATCTTGAA; older notation c.1873_1881dupCATCTTGAA).
Protein change: p.Glu627_Thr628insHisLeuGlu.
Genome position (GRCh38, 1-based): chr2:162,277,578-162,277,586, TTCAAGATG duplicated on the plus strand (CATCTTGAA on the coding strand, the reverse complement: IFIH1 is on the minus strand). VCF-style (leftmost placement, unchanged base first): chr2-162277577-T-TTTCAAGATG. GRCh37 (hg19) VCF-style: chr2-163134087-T-TTTCAAGATG.
Identifiers: ClinVar variation 4790303 (VCV004790303.1).

ClinVar aggregate classification (germline): Uncertain significance (1 of 4 stars; one submission).

Conditions:
Aicardi-Goutieres syndrome 7 (AGS7). Identifiers: Orphanet 51, MedGen C3888244, MONDO:0014367, OMIM 615846.
Singleton-Merten syndrome 1 (SGMRT1). Also called: Widened medullary cavities of bone, aortic calcification, abnormal dentition, and muscular weakness; Syndrome of widened medullary cavities of the metacarpals and phalanges, aortic calcification and abnormal dentition. Identifiers: Orphanet 85191, MedGen C4225427, MONDO:0024535, OMIM 182250.

Submission:

Labcorp Genetics (formerly Invitae), Labcorp
Classification: Uncertain significance for Aicardi-Goutieres syndrome 7; Singleton-Merten syndrome 1. Last evaluated: 2025-06-15. Review status: criteria provided, single submitter. Criteria: Invitae Variant Classification Sherloc (09022015). Collection method: clinical testing. Allele origin: germline.
Comment: This variant, c.1873_1881dup, results in the insertion of 3 amino acid(s) of the IFIH1 protein (p.His625_Glu627dup), but otherwise preserves the integrity of the reading frame. This variant is not present in population databases (gnomAD no frequency). This variant has not been reported in the literature in individuals affected with IFIH1-related conditions. In summary, the available evidence is currently insufficient to determine the role of this variant in disease. Therefore, it has been classified as a Variant of Uncertain Significance.